The following is an entry in ClinVar:

ClinVar aggregate classification (germline): Pathogenic (1 of 4 stars; one submission).

Conditions:
Charcot-Marie-Tooth disease type 2. Also called: Charcot-Marie-Tooth type 2. Identifiers: Orphanet 64746, MedGen C0270914, MONDO:0018993.

Submission:

Labcorp Genetics (formerly Invitae), Labcorp
Classification: Pathogenic for Charcot-Marie-Tooth disease type 2. Last evaluated: 2017-10-02. Review status: criteria provided, single submitter. Criteria: Invitae Variant Classification Sherloc (09022015). Collection method: clinical testing. Allele origin: germline.
Comment: This sequence change creates a premature translational stop signal (p.Gln198*) in the LMNA gene. It is expected to result in an absent or disrupted protein product. This variant is not present in population databases (ExAC no frequency). This variant has not been reported in the literature in individuals with a LMNA-related disease. Loss-of-function variants in LMNA are known to be pathogenic (PMID: 17377071). For these reasons, this variant has been classified as Pathogenic.

Literature cited by the submitters: PubMed 17377071.

NM_170707.4(LMNA):c.592C>T (p.Gln198Ter)

Gene: LMNA (lamin A/C; plus strand). Cytogenetic location: 1q22.
Variant type: single nucleotide variant.
Coding change: c.592C>T on transcript NM_170707.4 (MANE Select); coding-DNA position 592, C replaced by T.
Protein change: p.Gln198Ter; replaces glutamine 198 with a stop codon.
Molecular consequence: nonsense.
Genome position (GRCh38, 1-based): chr1:156,134,481, C>T. VCF-style: chr1-156134481-C-T. GRCh37 (hg19) VCF-style: chr1-156104272-C-T.
Other names: c.256C>T, p.Gln86Ter (NM_001257374.3); c.349C>T, p.Gln117Ter (NM_001282624.2); c.592C>T, p.Gln198Ter (NM_001282625.2, NM_001282626.2, NM_005572.4 and 1 more transcripts); short protein forms Q198*, Q117*, Q86*.
Identifiers: ClinVar variation 476831 (VCV000476831.6), dbSNP rs1553265165, ClinGen allele CA342816989.